The following is an entry in ClinVar:

ClinVar aggregate classification (germline): Uncertain significance (1 of 4 stars; one submission).

Conditions:
Facioscapulohumeral muscular dystrophy 2 (FSHD2). Also called: FACIOSCAPULOHUMERAL MUSCULAR DYSTROPHY 2, DIGENIC; FSHD2, DIGENIC; MUSCULAR DYSTROPHY, FACIOSCAPULOHUMERAL, TYPE 1B. Identifiers: Orphanet 269, MedGen C1834671, MONDO:0008031, OMIM 158901.

Allele frequency attached by ClinVar (database versions not stated): TOPMed 0.00001; gnomAD 0.00002.

Submission:

Labcorp Genetics (formerly Invitae), Labcorp
Classification: Uncertain significance for Facioscapulohumeral muscular dystrophy 2. Last evaluated: 2025-02-26. Review status: criteria provided, single submitter. Criteria: Invitae Variant Classification Sherloc (09022015). Collection method: clinical testing. Allele origin: germline.
Comment: This sequence change falls in intron 23 of the SMCHD1 gene. It does not directly change the encoded amino acid sequence of the SMCHD1 protein. This variant is not present in population databases (gnomAD no frequency). This variant has been observed in individual(s) with fascioscapulohumeral muscular dystrophy (PMID: 31243061). ClinVar contains an entry for this variant (Variation ID: 1433694). Algorithms developed to predict the effect of sequence changes on RNA splicing suggest that this variant may disrupt the consensus splice site. In summary, the available evidence is currently insufficient to determine the role of this variant in disease. Therefore, it has been classified as a Variant of Uncertain Significance.

Literature cited by the submitters: PubMed 31243061.

NM_015295.3(SMCHD1):c.2914-5A>G

Gene: SMCHD1 (structural maintenance of chromosomes flexible hinge domain containing 1; plus strand). Cytogenetic location: 18p11.32.
Variant type: single nucleotide variant.
Coding change: c.2914-5A>G on transcript NM_015295.3 (MANE Select); 5 bases into the intron before coding-DNA position 2914, A replaced by G.
Molecular consequence: intron variant.
Genome position (GRCh38, 1-based): chr18:2,729,270, A>G. VCF-style: chr18-2729270-A-G. GRCh37 (hg19) VCF-style: chr18-2729268-A-G.
Identifiers: ClinVar variation 1433694 (VCV001433694.8), dbSNP rs1215623273, ClinGen allele CA628044768.
Genomic context (GRCh38, chr18:2,729,270, plus strand): 5'-AACAATTACGGAAGAATCAAATATATTTAATAGGGGTCTTACATTATTTTTCATCTTTCA[A>G]ATAGTTTTCAGGTGCTCCAAACCTTCCAGTCTATGTTGTAGATTGCAGTAGTTCTGGAAC-3'